The following is an entry in ClinVar:

ClinVar aggregate classification (germline): Likely benign. Review status: criteria provided, multiple submitters, no conflicts (2 of 4 stars). 2 submissions from 2 submitters: Likely benign (2). Last evaluated 2026-03-18.

Conditions:
TMEM126A-related disorder. Also called: TMEM126A-related condition.

Submissions (2):

PreventionGenetics, part of Exact Sciences
Classification: Likely benign for TMEM126A-related condition. Last evaluated: 2026-03-18. Review status: criteria provided, single submitter. Criteria: ACMG Guidelines, 2015. Collection method: clinical testing. Allele origin: germline.
Comment: This variant is classified as likely benign based on ACMG/AMP sequence variant interpretation guidelines (Richards et al. 2015 PMID: 25741868, with internal and published modifications).

Labcorp Genetics (formerly Invitae), Labcorp
Classification: Likely benign. Last evaluated: 2026-01-27. Review status: criteria provided, single submitter. Criteria: Invitae Variant Classification Sherloc (09022015). Collection method: clinical testing. Allele origin: germline.

NM_032273.4(TMEM126A):c.69G>A (p.Gln23=)

Gene: TMEM126A (transmembrane protein 126A; plus strand). Cytogenetic location: 11q14.1.
Variant type: single nucleotide variant.
Coding change: c.69G>A on transcript NM_032273.4 (MANE Select); coding-DNA position 69, G replaced by A.
Protein change: p.Gln23=; no amino-acid change (glutamine 23 retained).
Molecular consequence: synonymous variant. On other transcripts: intron variant (1).
Genome position (GRCh38, 1-based): chr11:85,650,324, G>A. VCF-style: chr11-85650324-G-A. GRCh37 (hg19) VCF-style: chr11-85361368-G-A.
Other names: c.69G>A (NM_032273.3); c.-125+2235G>A (NM_001244735.2).
Identifiers: ClinVar variation 1090553 (VCV001090553.11), dbSNP rs2082489677, ClinGen allele CA475896095.